The following is an entry in ClinVar:

NM_024577.4(SH3TC2):c.3456C>T (p.Ala1152=)

Gene: SH3TC2 (SH3 domain and tetratricopeptide repeats 2; minus strand). Cytogenetic location: 5q32.
Variant type: single nucleotide variant.
Coding change: c.3456C>T on transcript NM_024577.4 (MANE Select); coding-DNA position 3456, C replaced by T.
Protein change: p.Ala1152=; no amino-acid change (alanine 1152 retained).
Molecular consequence: synonymous variant.
Genome position (GRCh38, 1-based): chr5:149,008,873, G>A on the plus strand (C>T on the coding strand, the complement: SH3TC2 is on the minus strand). VCF-style: chr5-149008873-G-A. GRCh37 (hg19) VCF-style: chr5-148388436-G-A.
Other names: p.Ala1152=.
Identifiers: ClinVar variation 695944 (VCV000695944.14), dbSNP rs530810802, ClinGen allele CA3498744.

ClinVar aggregate classification (germline): Likely benign. Review status: criteria provided, multiple submitters, no conflicts (2 of 4 stars). 4 submissions from 4 submitters: Likely benign (4). Last evaluated 2026-02-03.

Conditions:
Charcot-Marie-Tooth disease type 4. Also called: Charcot-Marie-Tooth disease, type IV; Charcot-Marie-Tooth, Type 4. Identifiers: Orphanet 64749, MedGen C4082197, MONDO:0018995.
SH3TC2-related disorder. Also called: SH3TC2-related disorders; SH3TC2-related condition. Identifiers: MedGen CN239303.

Allele frequency attached by ClinVar (database versions not stated): ExAC 0.00002; 1000 Genomes Project 30x 0.00016; gnomAD exomes 0.00019; 1000 Genomes Project 0.00020; TOPMed 0.00048; gnomAD 0.00052 and 0.00053.
gnomAD v4.1: 149 of 1,614,120 alleles (0.0092%); highest among the groups gnomAD compares: Admixed American, 0.22%; 1 homozygote.

Submissions (4):

Labcorp Genetics (formerly Invitae), Labcorp
Classification: Likely benign for Charcot-Marie-Tooth disease type 4. Last evaluated: 2026-02-03. Review status: criteria provided, single submitter. Criteria: Invitae Variant Classification Sherloc (09022015). Collection method: clinical testing. Allele origin: germline.

Athena Diagnostics
Classification: Likely benign. Last evaluated: 2025-08-20. Review status: criteria provided, single submitter. Criteria: Athena Diagnostics Criteria. Collection method: clinical testing. Allele origin: unknown.
Comment: Computational tools yielded predictions that this variant is unlikely to have an effect on normal RNA splicing. This nucleotide position exhibits low evolutionary conservation.

PreventionGenetics, part of Exact Sciences
Classification: Likely benign for SH3TC2-related condition. Last evaluated: 2025-04-24. Review status: criteria provided, single submitter. Criteria: ACMG Guidelines, 2015. Collection method: clinical testing. Allele origin: germline.
Comment: This variant is classified as likely benign based on ACMG/AMP sequence variant interpretation guidelines (Richards et al. 2015 PMID: 25741868, with internal and published modifications).

Mayo Clinic Laboratories, Mayo Clinic
Classification: Likely benign. Last evaluated: 2025-03-10. Review status: criteria provided, single submitter. Criteria: ACMG Guidelines, 2015. Collection method: clinical testing. Allele origin: germline. Observed: 1 variant allele.
Comment: BP4, BP7